The following is an entry in ClinVar:

NM_078470.6(COX15):c.452C>G (p.Ser151Ter)

Gene: COX15 (cytochrome c oxidase assembly factor COX15; minus strand). Cytogenetic location: 10q24.2.
Variant type: single nucleotide variant.
Coding change: c.452C>G on transcript NM_078470.6 (MANE Select); coding-DNA position 452, C replaced by G.
Protein change: p.Ser151Ter; replaces serine 151 with a stop codon.
Molecular consequence: nonsense. On other transcripts: intron variant (1).
Genome position (GRCh38, 1-based): chr10:99,727,098, G>C on the plus strand (C>G on the coding strand, the complement: COX15 is on the minus strand). VCF-style: chr10-99727098-G-C. GRCh37 (hg19) VCF-style: chr10-101486855-G-C.
Other names: c.452C>G, p.Ser151Ter (NM_001320974.2, NM_001320975.2, NM_001372024.1 and 5 more transcripts); c.-59-27C>G (NM_001320976.2); short protein forms S151*.
Identifiers: ClinVar variation 496238 (VCV000496238.26), dbSNP rs149718203, ClinGen allele CA5642259.

ClinVar aggregate classification (germline): Pathogenic/Likely pathogenic. Review status: criteria provided, multiple submitters, no conflicts (2 of 4 stars). 12 submissions from 12 submitters: Pathogenic (9); Likely pathogenic (1). 2 of the submissions do not count toward it. Last evaluated 2026-04-18.

Conditions:
Leigh syndrome (NULS). Also called: Leigh Disease; Leigh's necrotizing encephalopathy; Leigh's disease; Leigh's syndrome; Leigh Syndrome (mtDNA deletion); LEIGH SYNDROME, NUCLEAR. Identifiers: Orphanet 506, MedGen C2931891, MONDO:0009723, OMIM 256000.
COX15-related disorder. Also called: COX15-related condition.
Cardioencephalomyopathy, fatal infantile, due to cytochrome c oxidase deficiency 2 (MC4DN6). Also called: MITOCHONDRIAL COMPLEX IV DEFICIENCY, NUCLEAR TYPE 6. Identifiers: Orphanet 1561, MedGen C3554534, MONDO:0014051, OMIM 615119.

Allele frequency attached by ClinVar (database versions not stated): gnomAD exomes 0.00025; gnomAD 0.00029 and 0.00030; ExAC 0.00022; TOPMed 0.00022; ESP Exome Variant Server 0.00023.
gnomAD v4.1: 533 of 1,614,074 alleles (0.033%); highest among the groups gnomAD compares: Non-Finnish European, 0.043%; no homozygotes.

Submissions (12):

Dasa
Classification: Pathogenic. Last evaluated: 2026-04-18. Review status: criteria provided, single submitter. Criteria: DASA Assertion Criteria. Collection method: clinical testing. Allele origin: germline.
Comment: NM_078470.6(COX15):c.452C>G (p.Ser151*) introduces a premature termination codon predicted to result in loss of normal protein function. Loss-of-function is an established mechanism of disease for this gene. This variant has been observed in affected individuals with related phenotype in a genotype context consistent with recessive disease (PMID: 33746038). This variant has been reported in individuals with related phenotype (PMID: 33746038). The variant is present at low frequency in population datasets. Based on the available data, this variant is classified as pathogenic.

Labcorp Genetics (formerly Invitae), Labcorp
Classification: Pathogenic. Last evaluated: 2025-12-14. Review status: criteria provided, single submitter. Criteria: Invitae Variant Classification Sherloc (09022015). Collection method: clinical testing. Allele origin: germline.
Comment: This sequence change creates a premature translational stop signal (p.Ser151*) in the COX15 gene. It is expected to result in an absent or disrupted protein product. Loss-of-function variants in COX15 are known to be pathogenic (PMID: 15863660, 21412973). This variant is present in population databases (rs149718203, gnomAD 0.05%). This premature translational stop signal has been observed in individual(s) with mitochondrial complex IV deficiency (PMID: 15863660, 21412973, 33746038). This variant is also known as 503C>G (H152X). ClinVar contains an entry for this variant (Variation ID: 496238). Algorithms developed to predict the effect of sequence changes on RNA splicing suggest that this variant may disrupt the consensus splice site. For these reasons, this variant has been classified as Pathogenic.

Laboratory of Genetics, Children's Clinical University Hospital Latvia
Classification: Pathogenic. Last evaluated: 2025-02-16. Review status: criteria provided, single submitter. Criteria: ACMG Guidelines, 2015. Collection method: clinical testing. Allele origin: germline. Affected: yes.

Blueprint Genetics
Classification: Pathogenic for COX15-related disorders. Last evaluated: 2024-09-18. Review status: criteria provided, single submitter. Criteria: ACMG Guidelines, 2015. Collection method: clinical testing. Allele origin: germline. Affected: yes. Observed: 5 variant alleles.

GeneDx
Classification: Pathogenic. Last evaluated: 2024-07-10. Review status: criteria provided, single submitter. Criteria: GeneDx Variant Classification Process June 2021. Collection method: clinical testing. Allele origin: germline. Affected: yes.
Comment: Nonsense variant predicted to result in protein truncation or nonsense mediated decay in a gene for which loss of function is a known mechanism of disease; This variant is associated with the following publications: (PMID: 21412973, 22310368, 33171185, 32232962, 31345219, 15863660, 33746038)

Genetic Services Laboratory, University of Chicago
Classification: Likely pathogenic. Last evaluated: 2024-07-01. Review status: criteria provided, single submitter. Criteria: ACMG Guidelines, 2015. Collection method: clinical testing. Allele origin: germline. Affected: yes.
Comment: DNA sequence analysis of the COX15 gene demonstrated a sequence change, c.452C>G which results in the creation of a premature stop codon at amino acid position 151, p.Ser151*. This sequence change is predicted to result in an abnormal transcript, which may be degraded, or may lead to the production of a truncated COX15 protein with potentially abnormal function. This sequence change has been described in the gnomAD database with a frequency of 0.05% in the European subpopulation (dbSNP rs149718203). This sequence change has previously been described in individual(s) with mitochondrial complex IV deficiency (PMID: 15863660, 21412973, 33746038). This sequence change has also been described as 503C>G (H152X) in the literature. These collective evidences indicate that this sequence change is likely pathogenic, however functional studies have not been performed to prove this conclusively.

Fulgent Genetics
Classification: Pathogenic for Cardioencephalomyopathy, fatal infantile, due to cytochrome c oxidase deficiency 2. Last evaluated: 2024-01-08. Review status: criteria provided, single submitter. Criteria: ACMG Guidelines, 2015. Collection method: clinical testing. Allele origin: germline.

Department of Pathology and Laboratory Medicine, Sinai Health System
Classification: Pathogenic for Leigh syndrome. Last evaluated: 2023-12-14. Review status: criteria provided, single submitter. Criteria: ACMG Guidelines, 2015. Collection method: research. Allele origin: germline.

Women's Health and Genetics/Laboratory Corporation of America, LabCorp
Classification: Pathogenic for Leigh syndrome. Last evaluated: 2022-01-09. Review status: criteria provided, single submitter. Criteria: LabCorp Variant Classification Summary - May 2015. Collection method: clinical testing. Allele origin: germline.
Comment: Variant summary: COX15 c.452C>G (p.Ser151X) results in a premature termination codon, predicted to cause a truncation of the encoded protein or absence of the protein due to nonsense mediated decay, which are commonly known mechanisms for disease. The variant allele was found at a frequency of 0.00025 in 251510 control chromosomes. This frequency is not significantly higher than expected for a pathogenic variant in COX15 causing Leigh Syndrome (0.00025 vs 0.0013), allowing no conclusion about variant significance. c.452C>G has been reported in the literature in individuals affected with Leigh Syndrome and subsequently cited by others (example, Bugiani_2005, Invernizzi_2012, Alfadhel_2011, Halperin_2020, Miryounesi_2016, de Oliveira_2021). At least one publication reports experimental evidence evaluating an impact on protein function. The most pronounced variant effect results in 10%-<30% of normal complex IV activity in patient derived muscle and fibroblast samples (Bugiani 2005, Alfadhel 2011). One clinical diagnostic laboratory has submitted clinical-significance assessments for this variant to ClinVar after 2014 without evidence for independent evaluation and classified the variant as pathogenic. Based on the evidence outlined above, the variant was classified as pathogenic.

Laboratorio de Genetica e Diagnostico Molecular, Hospital Israelita Albert Einstein
Classification: Pathogenic. Last evaluated: 2020-12-07. Review status: criteria provided, single submitter. Criteria: ACMG Guidelines, 2015. Collection method: clinical testing. Allele origin: germline. Affected: yes.
Comment: ACMG classification criteria: PVS1, PS4, PM2, PM3

PreventionGenetics, part of Exact Sciences
Classification: Pathogenic for COX15-related condition. Last evaluated: 2024-05-28. Review status: no assertion criteria provided. Collection method: clinical testing. Allele origin: germline. Not counted in ClinVar's aggregate classification.
Comment: The COX15 c.452C>G variant is predicted to result in premature protein termination (p.Ser151*). This variant has been reported in the compound heterozygous state in individuals with COX15-related disease (Bugiani et al. 2005. PubMed ID: 15863660; Alfadhel et al. 2011. PubMed ID: 21412973; Galvão de Oliveira et al. 2021. PubMed ID: 33746038). This variant is reported in 0.051% of alleles in individuals of European (Non-Finnish) descent in gnomAD. Nonsense variants in COX15 are expected to be pathogenic. This variant is interpreted as pathogenic.

OMIM
Classification: Pathogenic for MITOCHONDRIAL COMPLEX IV DEFICIENCY, NUCLEAR TYPE 6. Last evaluated: 2011-04-01. Review status: no assertion criteria provided. Collection method: literature only. Allele origin: germline. Not counted in ClinVar's aggregate classification.

Literature cited by the submitters: PubMed 33746038 (cited by 3 submitters); PubMed 15863660 (cited by 3 submitters); PubMed 21412973 (cited by 3 submitters); PubMed 22310368 (cited by Women's Health and Genetics/Laboratory Corporation of America, LabCorp); PubMed 26959537 (cited by Women's Health and Genetics/Laboratory Corporation of America, LabCorp); PubMed 32232962 (cited by Women's Health and Genetics/Laboratory Corporation of America, LabCorp).